The following is an entry in ClinVar:

ClinVar aggregate classification (germline): Uncertain significance (1 of 4 stars; one submission).

Conditions:
Severe early-onset pulmonary alveolar proteinosis due to MARS deficiency. Also called: PULMONARY ALVEOLAR PROTEINOSIS, REUNION ISLAND; Interstitial lung and liver disease. Identifiers: Orphanet 440427, MedGen C4225400, MONDO:0014206, OMIM 615486.
Charcot-Marie-Tooth disease axonal type 2U. Also called: CHARCOT-MARIE-TOOTH NEUROPATHY, TYPE 2U; CHARCOT-MARIE-TOOTH DISEASE, AXONAL, AUTOSOMAL DOMINANT, TYPE 2U. Identifiers: Orphanet 397735, MedGen C4084821, MONDO:0014566, OMIM 616280.

gnomAD v4.1: 1 of 1,614,228 alleles (0.000062%); highest among the groups gnomAD compares: Non-Finnish European, 0.000085%; no homozygotes.

Submission:

Labcorp Genetics (formerly Invitae), Labcorp
Classification: Uncertain significance for Charcot-Marie-Tooth disease axonal type 2U; Severe early-onset pulmonary alveolar proteinosis due to MARS deficiency. Last evaluated: 2025-09-19. Review status: criteria provided, single submitter. Criteria: Invitae Variant Classification Sherloc (09022015). Collection method: clinical testing. Allele origin: germline.
Comment: This sequence change replaces phenylalanine, which is neutral and non-polar, with leucine, which is neutral and non-polar, at codon 633 of the MARS protein (p.Phe633Leu). This variant is present in population databases (no rsID available, gnomAD 0.0009%). This variant has not been reported in the literature in individuals affected with MARS-related conditions. An algorithm developed to predict the effect of missense changes on protein structure and function (PolyPhen-2) suggests that this variant is likely to be disruptive. In summary, the available evidence is currently insufficient to determine the role of this variant in disease. Therefore, it has been classified as a Variant of Uncertain Significance.

NM_004990.4(MARS1):c.1899C>A (p.Phe633Leu)

Gene: MARS1 (methionyl-tRNA synthetase 1; plus strand). Cytogenetic location: 12q13.3.
Variant type: single nucleotide variant.
Coding change: c.1899C>A on transcript NM_004990.4 (MANE Select); coding-DNA position 1899, C replaced by A.
Protein change: p.Phe633Leu; replaces phenylalanine 633 with leucine.
Molecular consequence: missense variant.
Genome position (GRCh38, 1-based): chr12:57,512,896, C>A. VCF-style: chr12-57512896-C-A. GRCh37 (hg19) VCF-style: chr12-57906679-C-A.
Other names: short protein forms F633L.
Identifiers: ClinVar variation 4791507 (VCV004791507.1).